The following is an entry in ClinVar:

ClinVar aggregate classification (germline): Uncertain significance (1 of 4 stars; one submission).

gnomAD v4.1: 3 of 1,600,848 alleles (0.00019%); highest among the groups gnomAD compares: Non-Finnish European, 0.00025%; no homozygotes.

Submission:

Labcorp Genetics (formerly Invitae), Labcorp
Classification: Uncertain significance. Last evaluated: 2018-12-15. Review status: criteria provided, single submitter. Criteria: Invitae Variant Classification Sherloc (09022015). Collection method: clinical testing. Allele origin: germline.
Comment: In summary, the available evidence is currently insufficient to determine the role of this variant in disease. Therefore, it has been classified as a Variant of Uncertain Significance. Algorithms developed to predict the effect of missense changes on protein structure and function are either unavailable or do not agree on the potential impact of this missense change (SIFT: "Deleterious"; PolyPhen-2: "Benign"; Align-GVGD: "Class C0"). This variant has not been reported in the literature in individuals with MUT-related conditions. This variant is not present in population databases (ExAC no frequency). This sequence change replaces glutamine with leucine at codon 132 of the MUT protein (p.Gln132Leu). The glutamine residue is highly conserved and there is a moderate physicochemical difference between glutamine and leucine.

NM_000255.4(MMUT):c.395A>T (p.Gln132Leu)

Gene: MMUT (methylmalonyl-CoA mutase; minus strand). Cytogenetic location: 6p12.3.
Variant type: single nucleotide variant.
Coding change: c.395A>T on transcript NM_000255.4 (MANE Select); coding-DNA position 395, A replaced by T.
Protein change: p.Gln132Leu; replaces glutamine 132 with leucine.
Molecular consequence: missense variant.
Genome position (GRCh38, 1-based): chr6:49,458,049, T>A on the plus strand (A>T on the coding strand, the complement: MMUT is on the minus strand). VCF-style: chr6-49458049-T-A. GRCh37 (hg19) VCF-style: chr6-49425762-T-A.
Other names: short protein forms Q132L.
Identifiers: ClinVar variation 638964 (VCV000638964.8), dbSNP rs766605891, ClinGen allele CA364404815.